The following is an entry in ClinVar:

ClinVar aggregate classification (germline): Uncertain significance (0 of 4 stars; one submission).

Conditions:
NTRK2-related disorder. Also called: NTRK2-related condition.

Submission:

PreventionGenetics, part of Exact Sciences
Classification: Uncertain significance for NTRK2-related condition. Last evaluated: 2024-01-02. Review status: no assertion criteria provided. Collection method: clinical testing. Allele origin: germline.
Comment: The NTRK2 c.193C>A variant is predicted to result in the amino acid substitution p.Pro65Thr. To our knowledge, this variant has not been reported in the literature or in a large population database, indicating this variant is rare. At this time, the clinical significance of this variant is uncertain due to the absence of conclusive functional and genetic evidence.

NM_006180.6(NTRK2):c.193C>A (p.Pro65Thr)

Gene: NTRK2 (neurotrophic receptor tyrosine kinase 2; plus strand). Cytogenetic location: 9q21.33.
Variant type: single nucleotide variant.
Coding change: c.193C>A on transcript NM_006180.6 (MANE Select); coding-DNA position 193, C replaced by A.
Protein change: p.Pro65Thr; replaces proline 65 with threonine.
Molecular consequence: missense variant.
Genome position (GRCh38, 1-based): chr9:84,670,941, C>A. VCF-style: chr9-84670941-C-A. GRCh37 (hg19) VCF-style: chr9-87285856-C-A.
Other names: c.193C>A, p.Pro65Thr (NM_001369537.1, NM_001369538.1, NM_001369539.1 and 18 more transcripts); short protein forms P65T.
Identifiers: ClinVar variation 3349510 (VCV003349510.1).